The following is an entry in ClinVar:

NM_017934.7(PHIP):c.1427C>T (p.Pro476Leu)

Gene: PHIP (PHIP subunit of CUL4-Ring ligase complex; minus strand). Cytogenetic location: 6q14.1.
Variant type: single nucleotide variant.
Coding change: c.1427C>T on transcript NM_017934.7 (MANE Select); coding-DNA position 1427, C replaced by T.
Protein change: p.Pro476Leu; replaces proline 476 with leucine.
Molecular consequence: missense variant.
Genome position (GRCh38, 1-based): chr6:79,015,179, G>A on the plus strand (C>T on the coding strand, the complement: PHIP is on the minus strand). VCF-style: chr6-79015179-G-A. GRCh37 (hg19) VCF-style: chr6-79724896-G-A.
Other names: short protein forms P476L.
Identifiers: ClinVar variation 4991845 (VCV004991845.1).

ClinVar aggregate classification (germline): Uncertain significance (1 of 4 stars; one submission).

Conditions:
PHIP-related disorder. Also called: PHIP-related condition; PHIP-related disorders.

gnomAD v4.1: 2 of 1,610,358 alleles (0.00012%); highest among the groups gnomAD compares: Non-Finnish European, 0.000085%; no homozygotes.

Submission:

PreventionGenetics, part of Exact Sciences
Classification: Uncertain significance for PHIP-related condition. Last evaluated: 2026-01-28. Review status: criteria provided, single submitter. Criteria: ACMG Guidelines, 2015. Collection method: clinical testing. Allele origin: germline.
Comment: The PHIP c.1427C>T variant is predicted to result in the amino acid substitution p.Pro476Leu. To our knowledge, this variant has not been reported in the literature or in a large population database (gnomAD), indicating this variant is rare. At this time, the clinical significance of this variant is uncertain due to the absence of conclusive functional and genetic evidence.